The following is an entry in ClinVar:

NM_001379500.1(COL18A1):c.801C>T (p.Gly267=)

Gene: COL18A1 (collagen type XVIII alpha 1 chain; plus strand). Cytogenetic location: 21q22.3.
Variant type: single nucleotide variant.
Coding change: c.801C>T on transcript NM_001379500.1 (MANE Select); coding-DNA position 801, C replaced by T.
Protein change: p.Gly267=; no amino-acid change (glycine 267 retained).
Molecular consequence: synonymous variant.
Genome position (GRCh38, 1-based): chr21:45,476,353, C>T. VCF-style: chr21-45476353-C-T. GRCh37 (hg19) VCF-style: chr21-46896267-C-T.
Other names: NM_130445.2:c.801C>T; c.1341C>T, p.Gly447= (NM_030582.4); c.2046C>T, p.Gly682= (NM_130444.3); c.1341C>T (NM_030582.3).
Identifiers: ClinVar variation 340207 (VCV000340207.38), dbSNP rs145912433, ClinGen allele CA10065936.

ClinVar aggregate classification (germline): Conflicting classifications of pathogenicity. Review status: criteria provided, conflicting classifications (1 of 4 stars). 5 submissions from 5 submitters: Uncertain significance (1); Likely benign (4). Last evaluated 2026-01-19.

Conditions:
Knobloch syndrome (KNO). Also called: Myopia retinal detachment encephalocele; RETINAL DETACHMENT AND OCCIPITAL ENCEPHALOCELE. Identifiers: Orphanet 1571, MedGen C1849409, MONDO:0800166.
COL18A1-related disorder. Also called: COL18A1-related condition; COL18A1-related disorders.

Allele frequency attached by ClinVar (database versions not stated): ESP Exome Variant Server 0.00016; TOPMed 0.00017; gnomAD 0.00024 and 0.00026; gnomAD exomes 0.00029; ExAC 0.00031; 1000 Genomes Project 0.00060; 1000 Genomes Project 30x 0.00062.
gnomAD v4.1: 522 of 1,613,972 alleles (0.032%); highest among the groups gnomAD compares: Non-Finnish European, 0.036%; no homozygotes.

Submissions (5):

Labcorp Genetics (formerly Invitae), Labcorp
Classification: Likely benign. Last evaluated: 2026-01-19. Review status: criteria provided, single submitter. Criteria: Invitae Variant Classification Sherloc (09022015). Collection method: clinical testing. Allele origin: germline.

PreventionGenetics, part of Exact Sciences
Classification: Likely benign for COL18A1-related condition. Last evaluated: 2024-12-26. Review status: criteria provided, single submitter. Criteria: ACMG Guidelines, 2015. Collection method: clinical testing. Allele origin: germline.
Comment: This variant is classified as likely benign based on ACMG/AMP sequence variant interpretation guidelines (Richards et al. 2015 PMID: 25741868, with internal and published modifications).

Blueprint Genetics
Classification: Likely benign. Last evaluated: 2024-11-21. Review status: criteria provided, single submitter. Criteria: ACMG Guidelines, 2015. Collection method: clinical testing. Allele origin: germline.

CeGaT Center for Human Genetics Tuebingen
Classification: Likely benign. Last evaluated: 2023-09-01. Review status: criteria provided, single submitter. Criteria: CeGaT Center For Human Genetics Tuebingen Variant Classification Criteria Version 2. Collection method: clinical testing. Allele origin: germline. Affected: yes. Observed: 1 variant allele.
Comment: COL18A1: BP4, BP7

Illumina Laboratory Services, Illumina
Classification: Uncertain significance for Knobloch syndrome 1. Last evaluated: 2018-01-12. Review status: criteria provided, single submitter. Criteria: ICSL Variant Classification Criteria 13 December 2019. Collection method: clinical testing. Allele origin: germline.